The following is an entry in ClinVar:

ClinVar aggregate classification (germline): Uncertain significance (1 of 4 stars; one submission).

Conditions:
TP63-Related Spectrum Disorders.

Allele frequency attached by ClinVar (database versions not stated): ExAC 0.00002; gnomAD 0.00001; gnomAD exomes 0.00001; TOPMed 0.00001.
gnomAD v4.1: 23 of 1,613,994 alleles (0.0014%); highest among the groups gnomAD compares: Non-Finnish European, 0.0018%; no homozygotes.

Submission:

Labcorp Genetics (formerly Invitae), Labcorp
Classification: Uncertain significance. Last evaluated: 2024-10-18. Review status: criteria provided, single submitter. Criteria: Invitae Variant Classification Sherloc (09022015). Collection method: clinical testing. Allele origin: germline.
Comment: This sequence change replaces proline, which is neutral and non-polar, with serine, which is neutral and polar, at codon 456 of the TP63 protein (p.Pro456Ser). This variant is present in population databases (rs773649400, gnomAD 0.002%). This variant has not been reported in the literature in individuals affected with TP63-related conditions. ClinVar contains an entry for this variant (Variation ID: 2180987). Invitae Evidence Modeling of protein sequence and biophysical properties (such as structural, functional, and spatial information, amino acid conservation, physicochemical variation, residue mobility, and thermodynamic stability) indicates that this missense variant is not expected to disrupt TP63 protein function with a negative predictive value of 80%. In summary, the available evidence is currently insufficient to determine the role of this variant in disease. Therefore, it has been classified as a Variant of Uncertain Significance.

NM_003722.5(TP63):c.1366C>T (p.Pro456Ser)

Gene: TP63 (tumor protein p63; plus strand). Cytogenetic location: 3q28.
Variant type: single nucleotide variant.
Coding change: c.1366C>T on transcript NM_003722.5 (MANE Select); coding-DNA position 1366, C replaced by T.
Protein change: p.Pro456Ser; replaces proline 456 with serine.
Molecular consequence: missense variant.
Genome position (GRCh38, 1-based): chr3:189,886,410, C>T. VCF-style: chr3-189886410-C-T. GRCh37 (hg19) VCF-style: chr3-189604199-C-T.
Other names: c.1366C>T, p.Pro456Ser (NM_001114978.2, NM_001329144.2); c.1084C>T, p.Pro362Ser (NM_001114980.2, NM_001114981.2, NM_001329145.2); c.829C>T, p.Pro277Ser (NM_001329146.2); c.1354C>T, p.Pro452Ser (NM_001329148.2); c.1072C>T, p.Pro358Ser (NM_001329149.2); c.817C>T, p.Pro273Ser (NM_001329150.2); c.1360C>T, p.Pro454Ser (NM_001329964.2); short protein forms P362S, P277S, P358S, P452S, P454S, P273S, P456S.
Identifiers: ClinVar variation 2180987 (VCV002180987.3), dbSNP rs773649400, ClinGen allele CA2752471.